The following is an entry in ClinVar:

ClinVar aggregate classification (germline): Uncertain significance. Review status: criteria provided, multiple submitters, no conflicts (2 of 4 stars). 2 submissions from 2 submitters: Uncertain significance (2). Last evaluated 2021-08-16.

Conditions:
Hereditary cancer-predisposing syndrome. Also called: Hereditary neoplastic syndrome; Tumor predisposition; Neoplastic Syndromes, Hereditary; Hereditary Cancer Syndrome. Identifiers: Orphanet 140162, MedGen C0027672, MeSH D009386, MONDO:0015356.

Submissions (2):

Labcorp Genetics (formerly Invitae), Labcorp
Classification: Uncertain significance. Last evaluated: 2021-08-16. Review status: criteria provided, single submitter. Criteria: Invitae Variant Classification Sherloc (09022015). Collection method: clinical testing. Allele origin: germline.
Comment: This sequence change replaces asparagine with serine at codon 238 of the HOXB13 protein (p.Asn238Ser). The asparagine residue is highly conserved and there is a small physicochemical difference between asparagine and serine. This variant is not present in population databases (ExAC no frequency). This variant has not been reported in the literature in individuals with HOXB13-related conditions. Algorithms developed to predict the effect of missense changes on protein structure and function output the following: SIFT: "Tolerated"; PolyPhen-2: "Benign"; Align-GVGD: "Class C0". The serine amino acid residue is found in multiple mammalian species, suggesting that this missense change does not adversely affect protein function. These predictions have not been confirmed by published functional studies and their clinical significance is uncertain. In summary, the available evidence is currently insufficient to determine the role of this variant in disease. Therefore, it has been classified as a Variant of Uncertain Significance.

Ambry Genetics
Classification: Uncertain significance for Hereditary cancer-predisposing syndrome. Last evaluated: 2020-02-05. Review status: criteria provided, single submitter. Criteria: Ambry Variant Classification Scheme 2023. Collection method: clinical testing. Allele origin: germline.
Comment: The p.N238S variant (also known as c.713A>G), located in coding exon 2 of the HOXB13 gene, results from an A to G substitution at nucleotide position 713. The asparagine at codon 238 is replaced by serine, an amino acid with highly similar properties. This amino acid position is well conserved in available vertebrate species. In addition, the in silico prediction for this alteration is inconclusive. Since supporting evidence is limited at this time, the clinical significance of this alteration remains unclear.

NM_006361.6(HOXB13):c.713A>G (p.Asn238Ser)

Gene: HOXB13 (homeobox B13; minus strand). Cytogenetic location: 17q21.32.
Variant type: single nucleotide variant.
Coding change: c.713A>G on transcript NM_006361.6 (MANE Select); coding-DNA position 713, A replaced by G.
Protein change: p.Asn238Ser; replaces asparagine 238 with serine.
Molecular consequence: missense variant.
Genome position (GRCh38, 1-based): chr17:48,726,932, T>C on the plus strand (A>G on the coding strand, the complement: HOXB13 is on the minus strand). VCF-style: chr17-48726932-T-C. GRCh37 (hg19) VCF-style: chr17-46804294-T-C.
Other names: short protein forms N238S.
Identifiers: ClinVar variation 1346929 (VCV001346929.10), dbSNP rs2143066664, ClinGen allele CA400106394.
Genomic context (GRCh38, chr17:48,726,932, plus strand): 5'-CGCTCCGAGAGGCTGGTGGCTGCCGAGATCTTGCGCCTCTTGTCCTTGGTGATGAACTTG[T>C]TAGCCGCATACTCCCGCTCCAGCTCCCGCAACTGCCCCTTGCTGTACGGAATGCGTTTCT-3'
Protein context (NP_006352.2, residues 228-248): LRELEREYAA[Asn238Ser]KFITKDKRRK